The following is an entry in ClinVar:

ClinVar aggregate classification (germline): Uncertain significance. Review status: criteria provided, multiple submitters, no conflicts (2 of 4 stars). 2 submissions from 2 submitters: Uncertain significance (2). Last evaluated 2023-08-30.

Conditions:
Peroxisome biogenesis disorder 12A (Zellweger). Also called: Peroxisome biogenesis disorder 12A. Identifiers: Orphanet 912, MedGen C3554002, MONDO:0013951, OMIM 614886.

Submissions (2):

Labcorp Genetics (formerly Invitae), Labcorp
Classification: Uncertain significance for Peroxisome biogenesis disorder 12A (Zellweger). Last evaluated: 2023-08-30. Review status: criteria provided, single submitter. Criteria: Invitae Variant Classification Sherloc (09022015). Collection method: clinical testing. Allele origin: germline.
Comment: This sequence change replaces proline, which is neutral and non-polar, with alanine, which is neutral and non-polar, at codon 39 of the PEX19 protein (p.Pro39Ala). This variant is present in population databases (rs144256391, gnomAD 0.008%). This variant has not been reported in the literature in individuals affected with PEX19-related conditions. ClinVar contains an entry for this variant (Variation ID: 597588). Advanced modeling of protein sequence and biophysical properties (such as structural, functional, and spatial information, amino acid conservation, physicochemical variation, residue mobility, and thermodynamic stability) performed at Invitae indicates that this missense variant is not expected to disrupt PEX19 protein function. In summary, the available evidence is currently insufficient to determine the role of this variant in disease. Therefore, it has been classified as a Variant of Uncertain Significance.

Eurofins Ntd Llc (ga)
Classification: Uncertain significance. Last evaluated: 2018-06-12. Review status: criteria provided, single submitter. Criteria: EGL ClinVar v180209 classification definitions. Collection method: clinical testing. Allele origin: germline. Observed: 1 variant allele, 1 heterozygote.

NM_002857.4(PEX19):c.115C>G (p.Pro39Ala)

Gene: PEX19 (peroxisomal biogenesis factor 19; minus strand). Cytogenetic location: 1q23.2.
Variant type: single nucleotide variant.
Coding change: c.115C>G on transcript NM_002857.4 (MANE Select); coding-DNA position 115, C replaced by G.
Protein change: p.Pro39Ala; replaces proline 39 with alanine.
Molecular consequence: missense variant. On other transcripts: non-coding transcript variant (1).
Genome position (GRCh38, 1-based): chr1:160,283,595, G>C on the plus strand (C>G on the coding strand, the complement: PEX19 is on the minus strand). VCF-style: chr1-160283595-G-C. GRCh37 (hg19) VCF-style: chr1-160253385-G-C.
Other names: c.115C>G, p.Pro39Ala (NM_001193644.1); short protein forms P39A.
Identifiers: ClinVar variation 597588 (VCV000597588.10), dbSNP rs144256391, ClinGen allele CA1197471.